The following is an entry in ClinVar:

ClinVar aggregate classification (germline): Benign. Review status: criteria provided, multiple submitters, no conflicts (2 of 4 stars). 8 submissions from 4 submitters: Benign (8). Last evaluated 2021-10-25.

Conditions:
Epidermolysis bullosa simplex with nail dystrophy (EBS5D). Identifiers: MedGen C4225309, MONDO:0014661, OMIM 616487.
Autosomal recessive limb-girdle muscular dystrophy type 2Q (LGMDR17). Also called: MUSCULAR DYSTROPHY, LIMB-GIRDLE, AUTOSOMAL RECESSIVE 17. Identifiers: Orphanet 254361, MedGen C3150989, MONDO:0013390, OMIM 613723.
Epidermolysis bullosa simplex, Ogna type (EBS5A). Also called: Pidermolysis bullosa simplex 5A, Ogna type; EPIDERMOLYSIS BULLOSA SIMPLEX 5A, OGNA TYPE. Identifiers: Orphanet 79401, MedGen C0432317, MONDO:0007555, OMIM 131950.
Epidermolysis bullosa simplex 5B, with muscular dystrophy (EBS5B). Also called: Epidermolysis bullosa simplex with muscular dystrophy; EPIDERMOLYSIS BULLOSA SIMPLEX AND LIMB-GIRDLE MUSCULAR DYSTROPHY. Identifiers: Orphanet 257, MedGen C2931072, MONDO:0009181, OMIM 226670.
Epidermolysis bullosa simplex 5C, with pyloric atresia (EBS5C). Also called: Epidermolysis bullosa simplex with pyloric atresia; PLEC-Related Epidermolysis Bullosa with Pyloric Atresia; PLEC1-Related Epidermolysis Bullosa with Pyloric Atresia. Identifiers: Orphanet 158684, MedGen C2677349, MONDO:0012807, OMIM 612138.

Allele frequency attached by ClinVar (database versions not stated): 1000 Genomes Project 30x 0.22908; 1000 Genomes Project 0.23063; TOPMed 0.28107; ESP Exome Variant Server 0.29795; gnomAD 0.29882 and 0.30066; gnomAD exomes 0.34220 and 0.39681; ExAC 0.34478.
gnomAD v4.1: 619,694 of 1,600,110 alleles (39%); highest among the groups gnomAD compares: Non-Finnish European, 42%; 126,576 homozygotes.

Submissions (8):

Genome-Nilou Lab
Classification: Benign for Autosomal recessive limb-girdle muscular dystrophy type 2Q. Last evaluated: 2021-10-25. Review status: criteria provided, single submitter. Criteria: ACMG Guidelines, 2015. Collection method: clinical testing. Allele origin: germline. Affected: no.

Genome-Nilou Lab
Classification: Benign for Epidermolysis bullosa simplex with nail dystrophy. Last evaluated: 2021-10-25. Review status: criteria provided, single submitter. Criteria: ACMG Guidelines, 2015. Collection method: clinical testing. Allele origin: germline. Affected: no.

Genome-Nilou Lab
Classification: Benign for Epidermolysis bullosa simplex, Ogna type. Last evaluated: 2021-10-25. Review status: criteria provided, single submitter. Criteria: ACMG Guidelines, 2015. Collection method: clinical testing. Allele origin: germline. Affected: no.

Genome-Nilou Lab
Classification: Benign for Epidermolysis bullosa simplex 5B, with muscular dystrophy. Last evaluated: 2021-10-25. Review status: criteria provided, single submitter. Criteria: ACMG Guidelines, 2015. Collection method: clinical testing. Allele origin: germline. Affected: no.

Genome-Nilou Lab
Classification: Benign for Epidermolysis bullosa simplex 5C, with pyloric atresia. Last evaluated: 2021-10-25. Review status: criteria provided, single submitter. Criteria: ACMG Guidelines, 2015. Collection method: clinical testing. Allele origin: germline. Affected: no.

GeneDx
Classification: Benign. Last evaluated: 2018-06-19. Review status: criteria provided, single submitter. Criteria: GeneDx Variant Classification (06012015). Collection method: clinical testing. Allele origin: germline. Affected: yes.
Comment: This variant is considered likely benign or benign based on one or more of the following criteria: it is a conservative change, it occurs at a poorly conserved position in the protein, it is predicted to be benign by multiple in silico algorithms, and/or has population frequency not consistent with disease.

Breakthrough Genomics
Classification: Benign. Review status: criteria provided, single submitter. Criteria: ACMG Guidelines, 2015. Collection method: not provided. Allele origin: germline. Inheritance: Autosomal recessive inheritance. Affected: yes.

PreventionGenetics, part of Exact Sciences
Classification: Benign. Review status: criteria provided, single submitter. Criteria: ACMG Guidelines, 2015. Collection method: clinical testing. Allele origin: germline.

NM_201384.3(PLEC):c.7426-35C>T

Gene: PLEC (plectin; minus strand). Cytogenetic location: 8q24.3.
Variant type: single nucleotide variant.
Coding change: c.7426-35C>T on transcript NM_201384.3 (MANE Select); 35 bases into the intron before coding-DNA position 7426, C replaced by T.
Molecular consequence: intron variant.
Genome position (GRCh38, 1-based): chr8:143,922,430, G>A on the plus strand (C>T on the coding strand, the complement: PLEC is on the minus strand). VCF-style: chr8-143922430-G-A. GRCh37 (hg19) VCF-style: chr8-144996598-G-A.
Other names: c.7507-35C>T (NM_000445.5); c.7384-35C>T (NM_201378.4); c.7360-35C>T (NM_201379.3); c.7837-35C>T (NM_201380.4); c.7330-35C>T (NM_201381.3); c.7426-35C>T (NM_201382.4); c.7438-35C>T (NM_201383.3).
Identifiers: ClinVar variation 256178 (VCV000256178.5), dbSNP rs11786903, ClinGen allele CA4925632.
Genomic context (GRCh38, chr8:143,922,430, plus strand): 5'-AGCTGCTCCTGCTGCACCGTCTGCATCTGCAGAAGAAGAGGGTGTGATCAGGGACCGCCA[G>A]CCCAGGAGCACCCATCACCCACCAAAGCAGATCCCCGGGCCCACCCGCCCGTCGCACGTA-3'